The following is an entry in ClinVar:

ClinVar aggregate classification (germline): Uncertain significance. Review status: criteria provided, multiple submitters, no conflicts (2 of 4 stars). 2 submissions from 2 submitters: Uncertain significance (2). Last evaluated 2025-09-16.

Conditions:
Inborn genetic diseases. Identifiers: MedGen C0950123, MeSH D030342.
Ullrich congenital muscular dystrophy 2 (UCMD2). Identifiers: Orphanet 75840, MedGen C4225314, MONDO:0014654, OMIM 616470.
Bethlem myopathy 2 (BTHLM2). Identifiers: Orphanet 536516, Orphanet 610, MedGen C4225313, MONDO:0034022, OMIM 616471.

gnomAD v4.1: 22 of 1,613,064 alleles (0.0014%); highest among the groups gnomAD compares: African/African-American, 0.0027%; no homozygotes.

Submissions (2):

Labcorp Genetics (formerly Invitae), Labcorp
Classification: Uncertain significance for Bethlem myopathy 2; Ullrich congenital muscular dystrophy 2. Last evaluated: 2025-09-16. Review status: criteria provided, single submitter. Criteria: Invitae Variant Classification Sherloc (09022015). Collection method: clinical testing. Allele origin: germline.
Comment: This sequence change replaces arginine, which is basic and polar, with serine, which is neutral and polar, at codon 1742 of the COL12A1 protein (p.Arg1742Ser). This variant is present in population databases (rs530680231, gnomAD 0.0009%). This variant has not been reported in the literature in individuals affected with COL12A1-related conditions. ClinVar contains an entry for this variant (Variation ID: 1044428). Invitae Evidence Modeling of protein sequence and biophysical properties (such as structural, functional, and spatial information, amino acid conservation, physicochemical variation, residue mobility, and thermodynamic stability) indicates that this missense variant is not expected to disrupt COL12A1 protein function with a negative predictive value of 80%. In summary, the available evidence is currently insufficient to determine the role of this variant in disease. Therefore, it has been classified as a Variant of Uncertain Significance.

Ambry Genetics
Classification: Uncertain significance for Inborn genetic diseases. Last evaluated: 2025-05-30. Review status: criteria provided, single submitter. Criteria: Ambry Variant Classification Scheme 2023. Collection method: clinical testing. Allele origin: germline.

NM_004370.6(COL12A1):c.5224C>A (p.Arg1742Ser)

Gene: COL12A1 (collagen type XII alpha 1 chain; minus strand). Cytogenetic location: 6q13.
Variant type: single nucleotide variant.
Coding change: c.5224C>A on transcript NM_004370.6 (MANE Select); coding-DNA position 5224, C replaced by A.
Protein change: p.Arg1742Ser; replaces arginine 1742 with serine.
Molecular consequence: missense variant.
Genome position (GRCh38, 1-based): chr6:75,138,454, G>T on the plus strand (C>A on the coding strand, the complement: COL12A1 is on the minus strand). VCF-style: chr6-75138454-G-T. GRCh37 (hg19) VCF-style: chr6-75848170-G-T.
Other names: c.1732C>A, p.Arg578Ser (NM_080645.3); c.5224C>A (NM_004370.5); short protein forms R1742S, R578S.
Identifiers: ClinVar variation 1044428 (VCV001044428.6), dbSNP rs530680231, ClinGen allele CA3893226.
Genomic context (GRCh38, chr6:75,138,454, plus strand): 5'-TTTTAAAAATTAACTTTAAAATATCAATGTCCTATTTGAAAGCTAAACACCTACGTGTGC[G>T]CTCACTGCCAATCAGGTCATCACTTTCTGACTCATCAGGATAGATGGCAGTAATGGAAAC-3'
Protein context (NP_004361.3, residues 1732-1752): SESDDLIGSE[Arg1742Ser]TLPILTTQAP